The following is an entry in ClinVar:

ClinVar aggregate classification (germline): Uncertain significance (1 of 4 stars; one submission).

Conditions:
Inborn genetic diseases. Identifiers: MedGen C0950123, MeSH D030342.

Submission:

Ambry Genetics
Classification: Uncertain significance for Inborn genetic diseases. Last evaluated: 2025-09-25. Review status: criteria provided, single submitter. Criteria: Ambry Variant Classification Scheme 2023. Collection method: clinical testing. Allele origin: germline.
Comment: The p.S264I variant (also known as c.791G>T), located in coding exon 5 of the ELANE gene, results from a G to T substitution at nucleotide position 791. The serine at codon 264 is replaced by isoleucine, an amino acid with dissimilar properties. This amino acid position is conserved. In addition, the in silico prediction for this alteration is inconclusive. Based on the available evidence, the clinical significance of this variant remains unclear.

NM_001972.4(ELANE):c.791G>T (p.Ser264Ile)

Gene: ELANE (elastase, neutrophil expressed; plus strand). Cytogenetic location: 19p13.3.
Variant type: single nucleotide variant.
Coding change: c.791G>T on transcript NM_001972.4 (MANE Select); coding-DNA position 791, G replaced by T.
Protein change: p.Ser264Ile; replaces serine 264 with isoleucine.
Molecular consequence: missense variant.
Genome position (GRCh38, 1-based): chr19:856,151, G>T. VCF-style: chr19-856151-G-T. GRCh37 (hg19) VCF-style: chr19-856151-G-T.
Other names: short protein forms S264I.
Identifiers: ClinVar variation 4618391 (VCV004618391.1).